The following is an entry in ClinVar:

NM_017617.5(NOTCH1):c.2614G>A (p.Glu872Lys)

Gene: NOTCH1 (notch receptor 1; minus strand). Cytogenetic location: 9q34.3.
Variant type: single nucleotide variant.
Coding change: c.2614G>A on transcript NM_017617.5 (MANE Select); coding-DNA position 2614, G replaced by A.
Protein change: p.Glu872Lys; replaces glutamic acid 872 with lysine.
Molecular consequence: missense variant.
Genome position (GRCh38, 1-based): chr9:136,510,779, C>T on the plus strand (G>A on the coding strand, the complement: NOTCH1 is on the minus strand). VCF-style: chr9-136510779-C-T. GRCh37 (hg19) VCF-style: chr9-139405231-C-T.
Other names: short protein forms E872K.
Identifiers: ClinVar variation 1363332 (VCV001363332.28), dbSNP rs762050048, ClinGen allele CA5341227.

ClinVar aggregate classification (germline): Uncertain significance. Review status: criteria provided, multiple submitters, no conflicts (2 of 4 stars). 2 submissions from 2 submitters: Uncertain significance (2). Last evaluated 2024-08-27.

Conditions:
Adams-Oliver syndrome 5 (AOS5). Identifiers: Orphanet 974, MedGen C4014970, MONDO:0014459, OMIM 616028.

Allele frequency attached by ClinVar (database versions not stated): gnomAD exomes below 0.00001 and 0.00001; ExAC 0.00001; gnomAD 0.00001; TOPMed 0.00001.
gnomAD v4.1: 10 of 1,609,970 alleles (0.00062%); highest among the groups gnomAD compares: Non-Finnish European, 0.00076%; no homozygotes.

Submissions (2):

Labcorp Genetics (formerly Invitae), Labcorp
Classification: Uncertain significance for Adams-Oliver syndrome 5. Last evaluated: 2024-08-27. Review status: criteria provided, single submitter. Criteria: Invitae Variant Classification Sherloc (09022015). Collection method: clinical testing. Allele origin: germline.
Comment: This sequence change replaces glutamic acid, which is acidic and polar, with lysine, which is basic and polar, at codon 872 of the NOTCH1 protein (p.Glu872Lys). The frequency data for this variant in the population databases is considered unreliable, as metrics indicate poor data quality at this position in the gnomAD database. This variant has not been reported in the literature in individuals affected with NOTCH1-related conditions. ClinVar contains an entry for this variant (Variation ID: 1363332). An algorithm developed to predict the effect of missense changes on protein structure and function (PolyPhen-2) suggests that this variant is likely to be disruptive. In summary, the available evidence is currently insufficient to determine the role of this variant in disease. Therefore, it has been classified as a Variant of Uncertain Significance.

CeGaT Center for Human Genetics Tuebingen
Classification: Uncertain significance. Last evaluated: 2022-03-01. Review status: criteria provided, single submitter. Criteria: CeGaT Center For Human Genetics Tuebingen Variant Classification Criteria Version 2. Collection method: clinical testing. Allele origin: germline. Affected: yes. Observed: 1 variant allele.
Comment: NOTCH1: PM2, PP2